The following is an entry in ClinVar:

NM_004006.3(DMD):c.296T>C (p.Ile99Thr)

Gene: DMD (dystrophin; minus strand). Cytogenetic location: Xp21.1.
Variant type: single nucleotide variant.
Coding change: c.296T>C on transcript NM_004006.3 (MANE Select); coding-DNA position 296, T replaced by C.
Protein change: p.Ile99Thr; replaces isoleucine 99 with threonine.
Molecular consequence: missense variant. On other transcripts: 5 prime UTR variant (1).
Genome position (GRCh38, 1-based): chrX:32,823,356, A>G on the plus strand (T>C on the coding strand, the complement: DMD is on the minus strand). VCF-style: chrX-32823356-A-G. GRCh37 (hg19) VCF-style: chrX-32841473-A-G.
Other names: c.272T>C, p.Ile91Thr (NM_000109.4); c.284T>C, p.Ile95Thr (NM_004009.3); c.-74T>C (NM_004010.3); short protein forms I91T, I95T, I99T.
Identifiers: ClinVar variation 4078483 (VCV004078483.2).

ClinVar aggregate classification (germline): Uncertain significance. Review status: criteria provided, multiple submitters, no conflicts (2 of 4 stars). 2 submissions from 2 submitters: Uncertain significance (2). Last evaluated 2025-12-21.

Conditions:
Duchenne muscular dystrophy (DMD). Also called: Duchenne Muscular Dystrophy (DMD); MUSCULAR DYSTROPHY, PSEUDOHYPERTROPHIC PROGRESSIVE, DUCHENNE TYPE. Identifiers: Orphanet 98896, MedGen C0013264, MONDO:0010679, OMIM 310200.

Submissions (2):

Labcorp Genetics (formerly Invitae), Labcorp
Classification: Uncertain significance for Duchenne muscular dystrophy. Last evaluated: 2025-12-21. Review status: criteria provided, single submitter. Criteria: Invitae Variant Classification Sherloc (09022015). Collection method: clinical testing. Allele origin: germline.
Comment: This sequence change replaces isoleucine, which is neutral and non-polar, with threonine, which is neutral and polar, at codon 99 of the DMD protein (p.Ile99Thr). This variant is not present in population databases (gnomAD no frequency). This missense change has been observed in individual(s) with clinical features of DMD-related muscular dystrophy (internal data). ClinVar contains an entry for this variant (Variation ID: 4078483). Invitae Evidence Modeling of protein sequence and biophysical properties (such as structural, functional, and spatial information, amino acid conservation, physicochemical variation, residue mobility, and thermodynamic stability) has been performed for this missense variant. However, the output from this modeling did not meet the statistical confidence thresholds required to predict the impact of this variant on DMD protein function. In summary, the available evidence is currently insufficient to determine the role of this variant in disease. Therefore, it has been classified as a Variant of Uncertain Significance.

Revvity Omics, Revvity
Classification: Uncertain significance. Last evaluated: 2024-06-25. Review status: criteria provided, single submitter. Criteria: ACMG Guidelines, 2015. Collection method: clinical testing. Allele origin: germline.